The following is an entry in ClinVar:

ClinVar aggregate classification (germline): Uncertain significance (1 of 4 stars; one submission).

Conditions:
Immunodeficiency due to CD25 deficiency. Also called: IL2RA DEFICIENCY; IMMUNODEFICIENCY 41 WITH LYMPHOPROLIFERATION AND AUTOIMMUNITY; CD25 DEFICIENCY. Identifiers: Orphanet 169100, MedGen C1853392, MONDO:0011664, OMIM 606367.

Submission:

Labcorp Genetics (formerly Invitae), Labcorp
Classification: Uncertain significance for Immunodeficiency due to CD25 deficiency. Last evaluated: 2020-08-22. Review status: criteria provided, single submitter. Criteria: Invitae Variant Classification Sherloc (09022015). Collection method: clinical testing. Allele origin: germline.
Comment: In summary, the available evidence is currently insufficient to determine the role of this variant in disease. Therefore, it has been classified as a Variant of Uncertain Significance. Experimental studies and prediction algorithms are not available or were not evaluated, and the functional significance of this variant is currently unknown. This variant, c.765_767del, results in the deletion of 1 amino acid(s) of the IL2RA protein (p.Leu256del), but otherwise preserves the integrity of the reading frame. This variant is not present in population databases (ExAC no frequency). This variant has not been reported in the literature in individuals with IL2RA-related conditions.

NM_000417.3(IL2RA):c.759CCT[2] (p.Leu256del)

Gene: IL2RA (interleukin 2 receptor subunit alpha; minus strand). Cytogenetic location: 10p15.1.
Variant type: Microsatellite.
Coding change: c.759CCT[2] on transcript NM_000417.3 (MANE Select); two copies in a row of the 3-base unit CCT starting at c.759; the reference has three copies in a row; one copy, 3 bases deleted.
Protein change: p.Leu256del; deletes leucine 256.
Molecular consequence: inframe deletion.
Genome position (GRCh38, 1-based): chr10:6,018,080-6,018,082, AGG deleted on the plus strand (CCT on the coding strand, the reverse complement: IL2RA is on the minus strand); deleting any 3 consecutive bases within chr10:6,018,080-6,018,089 gives the same sequence; the position shown is the placement nearest the transcript's 3' end. VCF-style (leftmost placement, unchanged base first): chr10-6018079-CAGG-C. GRCh37 (hg19) VCF-style: chr10-6060042-CAGG-C.
Other names: c.543CCT[2], p.Leu184del (NM_001308242.2); c.471CCT[2], p.Leu160del (NM_001308243.2); short protein forms L184del, L256del, L160del.
Identifiers: ClinVar variation 1041705 (VCV001041705.8), dbSNP rs1839308337, ClinGen allele CA1888022258.